The following is an entry in ClinVar:

ClinVar aggregate classification (germline): Benign (1 of 4 stars; one submission).

Conditions:
CBL-related disorder. Also called: CBL MUTATION-ASSOCIATED SYNDROME; CBL SYNDROME; NOONAN SYNDROME-LIKE DISORDER WITHOUT JUVENILE MYELOMONOCYTIC LEUKEMIA. Identifiers: Orphanet 363972, MedGen C3150803, MONDO:0013308, OMIM 613563.

Allele frequency attached by ClinVar (database versions not stated): TOPMed 0.00011; gnomAD 0.00023 and 0.00025; 1000 Genomes Project 0.00080; 1000 Genomes Project 30x 0.00094.

Submission:

Illumina Laboratory Services, Illumina
Classification: Benign for CBL-related disorder. Last evaluated: 2018-01-12. Review status: criteria provided, single submitter. Criteria: ICSL Variant Classification Criteria 13 December 2019. Collection method: clinical testing. Allele origin: germline.
Comment: This variant was observed in the ICSL laboratory as part of a predisposition screen in an ostensibly healthy population. It had not been previously curated by ICSL or reported in the Human Gene Mutation Database (HGMD: prior to June 1st, 2018), and was therefore a candidate for classification through an automated scoring system. Utilizing variant allele frequency, disease prevalence and penetrance estimates, and inheritance mode, an automated score was calculated to assess if this variant is too frequent to cause the disease. Based on the score and internal cut-off values, a variant classified as benign is not then subjected to further curation. The score for this variant resulted in a classification of benign for this disease.

NM_005188.4(CBL):c.*7678G>A

Gene: CBL (Cbl proto-oncogene; plus strand). Cytogenetic location: 11q23.3.
Variant type: single nucleotide variant.
Coding change: c.*7678G>A on transcript NM_005188.4 (MANE Select); 7678 bases downstream of the stop codon, G replaced by A.
Molecular consequence: 3 prime UTR variant.
Genome position (GRCh38, 1-based): chr11:119,307,459, G>A. VCF-style: chr11-119307459-G-A. GRCh37 (hg19) VCF-style: chr11-119178169-G-A.
Identifiers: ClinVar variation 877659 (VCV000877659.4), dbSNP rs540742677, ClinGen allele CA229658944.